The following is an entry in ClinVar:

ClinVar aggregate classification (germline): Pathogenic (1 of 4 stars; one submission).

Conditions:
Carnitine palmitoyltransferase II deficiency. Also called: Carnitine Palmitoyltransferase 2 Deficiency. Identifiers: Orphanet 157, MedGen C0342790, MONDO:0015515.

Submission:

Labcorp Genetics (formerly Invitae), Labcorp
Classification: Pathogenic for Carnitine palmitoyltransferase II deficiency. Last evaluated: 2019-04-09. Review status: criteria provided, single submitter. Criteria: Invitae Variant Classification Sherloc (09022015). Collection method: clinical testing. Allele origin: germline.
Comment: For these reasons, this variant has been classified as Pathogenic. Loss-of-function variants in CPT2 are known to be pathogenic (PMID: 16781677, 16996287). This variant has not been reported in the literature in individuals with CPT2-related conditions. This variant is not present in population databases (ExAC no frequency). This sequence change creates a premature translational stop signal (p.Thr224Phefs*8) in the CPT2 gene. It is expected to result in an absent or disrupted protein product.

Literature cited by the submitters: PubMed 16781677; PubMed 16996287.

NM_000098.3(CPT2):c.669_673del (p.Thr224fs)

Gene: CPT2 (carnitine palmitoyltransferase 2; plus strand). Cytogenetic location: 1p32.3.
Variant type: Microsatellite.
Coding change: c.669_673del on transcript NM_000098.3 (MANE Select); coding-DNA positions 669 to 673, 5 bases deleted (AACTC; older notation c.669_673delAACTC).
Protein change: p.Thr224fs; shifts the reading frame from threonine 224.
Molecular consequence: frameshift variant.
Genome position (GRCh38, 1-based): chr1:53,210,343-53,210,347, AACTC deleted; deleting any 5 consecutive bases within chr1:53,210,336-53,210,347 gives the same sequence; the c. name uses the placement nearest the transcript's 3' end. VCF-style (leftmost placement, unchanged base first): chr1-53210335-TTCAAC-T. GRCh37 (hg19) VCF-style: chr1-53676007-TTCAAC-T.
Other names: c.669_673del, p.Thr224fs (NM_001330589.2); short protein forms T224fs.
Identifiers: ClinVar variation 863777 (VCV000863777.7), dbSNP rs1645414208, ClinGen allele CA916082032.